The following is an entry in ClinVar:

ClinVar aggregate classification (germline): Uncertain significance (1 of 4 stars; one submission).

gnomAD v4.1: 41 of 1,613,444 alleles (0.0025%); highest among the groups gnomAD compares: Non-Finnish European, 0.001%; no homozygotes.

Submission:

Labcorp Genetics (formerly Invitae), Labcorp
Classification: Uncertain significance. Last evaluated: 2025-11-08. Review status: criteria provided, single submitter. Criteria: Invitae Variant Classification Sherloc (09022015). Collection method: clinical testing. Allele origin: germline.
Comment: This sequence change replaces glycine, which is neutral and non-polar, with serine, which is neutral and polar, at codon 953 of the CARMIL2 protein (p.Gly953Ser). This variant is present in population databases (rs772703231, gnomAD 0.06%). This variant has not been reported in the literature in individuals affected with CARMIL2-related conditions. ClinVar contains an entry for this variant (Variation ID: 3685423). Invitae Evidence Modeling of protein sequence and biophysical properties (such as structural, functional, and spatial information, amino acid conservation, physicochemical variation, residue mobility, and thermodynamic stability) indicates that this missense variant is not expected to disrupt CARMIL2 protein function with a negative predictive value of 80%. In summary, the available evidence is currently insufficient to determine the role of this variant in disease. Therefore, it has been classified as a Variant of Uncertain Significance.

NM_001013838.3(CARMIL2):c.2857G>A (p.Gly953Ser)

Gene: CARMIL2 (capping protein regulator and myosin 1 linker 2; plus strand). Cytogenetic location: 16q22.1.
Variant type: single nucleotide variant.
Coding change: c.2857G>A on transcript NM_001013838.3 (MANE Select); coding-DNA position 2857, G replaced by A.
Protein change: p.Gly953Ser; replaces glycine 953 with serine.
Molecular consequence: missense variant.
Genome position (GRCh38, 1-based): chr16:67,652,511, G>A. VCF-style: chr16-67652511-G-A. GRCh37 (hg19) VCF-style: chr16-67686414-G-A.
Other names: c.2749G>A, p.Gly917Ser (NM_001317026.3); short protein forms G917S, G953S.
Identifiers: ClinVar variation 3685423 (VCV003685423.2).
Genomic context (GRCh38, chr16:67,652,511, plus strand): 5'-AGTTTGTGCCCTCCCCACCAGGATGACAGTCCTCCACAGAAATGGCCTGAGCTCAGCCAC[G>A]GTCTTCACCTGGTCCCCTTCATTCACAGTAAGTCAGGGCCTTGGGGGAGGGAGTTTACGT-3'
Protein context (NP_001013860.1, residues 943-963): PPQKWPELSH[Gly953Ser]LHLVPFIHSA